The following is an entry in ClinVar:

NM_001036.6(RYR3):c.11035T>A (p.Phe3679Ile)

Gene: RYR3 (ryanodine receptor 3; plus strand). Cytogenetic location: 15q14.
Variant type: single nucleotide variant.
Coding change: c.11035T>A on transcript NM_001036.6 (MANE Select); coding-DNA position 11035, T replaced by A.
Protein change: p.Phe3679Ile; replaces phenylalanine 3679 with isoleucine.
Molecular consequence: missense variant.
Genome position (GRCh38, 1-based): chr15:33,823,035, T>A. VCF-style: chr15-33823035-T-A. GRCh37 (hg19) VCF-style: chr15-34115236-T-A.
Other names: c.11020T>A, p.Phe3674Ile (NM_001243996.4); short protein forms F3674I, F3679I.
Identifiers: ClinVar variation 4885851 (VCV004885851.2).

ClinVar aggregate classification (germline): Uncertain significance (1 of 4 stars; one submission).

Submission:

Dasa
Classification: Uncertain significance. Last evaluated: 2026-01-28. Review status: criteria provided, single submitter. Criteria: DASA Assertion Criteria. Collection method: clinical testing. Allele origin: germline.
Comment: NM_001036.6(RYR3):c.11035T>A (p.Phe3679Ile) is a missense variant that results in the substitution of phenylalanine with isoleucine. This variant is rare in population databases. Computational prediction algorithms are consistent with a deleterious effect. The currently available literature and clinical evidence are not sufficient to establish a definitive association between this variant and the reported condition. Therefore, this variant is classified as a variant of uncertain significance.